The following is an entry in ClinVar:

ClinVar aggregate classification (germline): Uncertain significance. Review status: criteria provided, multiple submitters, no conflicts (2 of 4 stars). 7 submissions from 5 submitters: Uncertain significance (7). Last evaluated 2025-07-03.

Conditions:
RYR1-related disorder. Also called: RYR1-related condition; RYR1-related disorders. Identifiers: MedGen CN239331.
Malignant hyperthermia, susceptibility to, 1 (MHS1). Also called: Anesthesia related hyperthermia; Malignant hyperpyrexia; Fulminating hyperpyrexia; Pharmacogenic myopathy; RYR1-Related Malignant Hyperthermia Susceptibility; Malignant hyperthermia suceptibility 1. Identifiers: Orphanet 423, MedGen C2930980, MONDO:0007783, OMIM 145600.
Congenital multicore myopathy with external ophthalmoplegia (CMYO1B). Also called: MULTICORE MYOPATHY; Minicore myopathy with external ophthalmoplegia; Congenital myopathy 1B, autosomal recessive; Minicore myopathy; MULTIMINICORE DISEASE WITH EXTERNAL OPHTHALMOPLEGIA. Identifiers: Orphanet 598, Orphanet 98905, MedGen C1850674, MONDO:0009712, OMIM 255320, HP:0003789.
Central core myopathy (CMYO1A). Also called: CONGENITAL MYOPATHY 1A, AUTOSOMAL DOMINANT, WITH SUSCEPTIBILITY TO MALIGNANT HYPERTHERMIA; Central core disease; Myopathy, central fibrillar. Identifiers: Orphanet 597, MedGen C5830701, MONDO:0007294, OMIM 117000.

Allele frequency attached by ClinVar (database versions not stated): gnomAD exomes below 0.00001; TOPMed below 0.00001; ExAC 0.00001; gnomAD 0.00001; 1000 Genomes Project 30x 0.00016; 1000 Genomes Project 0.00020.
gnomAD v4.1: 6 of 1,614,050 alleles (0.00037%); highest among the groups gnomAD compares: South Asian, 0.0011%; no homozygotes.

Submissions (7):

Color Diagnostics, LLC DBA Color Health
Classification: Uncertain significance for Malignant hyperthermia, susceptibility to, 1. Last evaluated: 2025-07-03. Review status: criteria provided, single submitter. Criteria: ACMG Guidelines, 2015. Collection method: clinical testing. Allele origin: germline.
Comment: This missense variant replaces arginine with cysteine at codon 3262 of the RYR1 protein. Computational prediction is inconclusive regarding the impact of this variant on protein structure and function. To our knowledge, functional studies have not been reported for this variant. This variant has not been reported in individuals affected with RYR1-related disorders in the literature. This variant has been identified in 1/250144 chromosomes in the general population by the Genome Aggregation Database (gnomAD). The available evidence is insufficient to determine the role of this variant in disease conclusively. Therefore, this variant is classified as a Variant of Uncertain Significance.

All of Us Research Program, National Institutes of Health
Classification: Uncertain significance for Malignant hyperthermia, susceptibility to, 1. Last evaluated: 2024-05-09. Review status: criteria provided, single submitter. Criteria: ACMG Guidelines, 2015. Collection method: clinical testing. Allele origin: germline. Inheritance: Autosomal dominant inheritance. Observed: 2 variant alleles, 2 heterozygotes.
Comment: This study involves interpretation of variants in research participants for the purpose of population health screening. Participant phenotype was not available at the time of variant classification. Additional details can be found in publication PMID: 35346344, PMCID: PMC8962531

Labcorp Genetics (formerly Invitae), Labcorp
Classification: Uncertain significance for RYR1-related disorder. Last evaluated: 2024-05-06. Review status: criteria provided, single submitter. Criteria: Invitae Variant Classification Sherloc (09022015). Collection method: clinical testing. Allele origin: germline.
Comment: This sequence change replaces arginine, which is basic and polar, with cysteine, which is neutral and slightly polar, at codon 3262 of the RYR1 protein (p.Arg3262Cys). The frequency data for this variant in the population databases is considered unreliable, as metrics indicate poor data quality at this position in the gnomAD database. This variant has not been reported in the literature in individuals affected with RYR1-related conditions. ClinVar contains an entry for this variant (Variation ID: 889064). Advanced modeling of protein sequence and biophysical properties (such as structural, functional, and spatial information, amino acid conservation, physicochemical variation, residue mobility, and thermodynamic stability) performed at Invitae indicates that this missense variant is expected to disrupt RYR1 protein function with a positive predictive value of 95%. In summary, the available evidence is currently insufficient to determine the role of this variant in disease. Therefore, it has been classified as a Variant of Uncertain Significance.

GeneDx
Classification: Uncertain significance. Last evaluated: 2024-04-09. Review status: criteria provided, single submitter. Criteria: GeneDx Variant Classification Process June 2021. Collection method: clinical testing. Allele origin: germline. Affected: yes.
Comment: Not observed at significant frequency in large population cohorts (gnomAD); In silico analysis supports that this missense variant has a deleterious effect on protein structure/function; Has not been previously published as pathogenic or benign to our knowledge

Illumina Laboratory Services, Illumina
Classification: Uncertain significance for Central core myopathy. Last evaluated: 2018-01-12. Review status: criteria provided, single submitter. Criteria: ICSL Variant Classification Criteria 13 December 2019. Collection method: clinical testing. Allele origin: germline.

Illumina Laboratory Services, Illumina
Classification: Uncertain significance for Malignant hyperthermia, susceptibility to, 1. Last evaluated: 2018-01-12. Review status: criteria provided, single submitter. Criteria: ICSL Variant Classification Criteria 13 December 2019. Collection method: clinical testing. Allele origin: germline.

Illumina Laboratory Services, Illumina
Classification: Uncertain significance for Congenital multicore myopathy with external ophthalmoplegia. Last evaluated: 2018-01-12. Review status: criteria provided, single submitter. Criteria: ICSL Variant Classification Criteria 13 December 2019. Collection method: clinical testing. Allele origin: germline.

NM_000540.3(RYR1):c.9784C>T (p.Arg3262Cys)

Gene: RYR1 (ryanodine receptor 1; plus strand). Cytogenetic location: 19q13.2.
Variant type: single nucleotide variant.
Coding change: c.9784C>T on transcript NM_000540.3 (MANE Select); coding-DNA position 9784, C replaced by T.
Protein change: p.Arg3262Cys; replaces arginine 3262 with cysteine.
Molecular consequence: missense variant.
Genome position (GRCh38, 1-based): chr19:38,517,457, C>T. VCF-style: chr19-38517457-C-T. GRCh37 (hg19) VCF-style: chr19-39008097-C-T.
Other names: c.9784C>T, p.Arg3262Cys (NM_001042723.2); short protein forms R3262C.
Identifiers: ClinVar variation 889064 (VCV000889064.16), dbSNP rs557030813, ClinGen allele CA074141.